The following is an entry in ClinVar:

NM_032802.4(SPPL2A):c.1179C>A (p.Ile393=)

Gene: SPPL2A (signal peptide peptidase like 2A; minus strand). Cytogenetic location: 15q21.2.
Variant type: single nucleotide variant.
Coding change: c.1179C>A on transcript NM_032802.4 (MANE Select); coding-DNA position 1179, C replaced by A.
Protein change: p.Ile393=; no amino-acid change (isoleucine 393 retained).
Molecular consequence: synonymous variant.
Genome position (GRCh38, 1-based): chr15:50,725,291, G>T on the plus strand (C>A on the coding strand, the complement: SPPL2A is on the minus strand). VCF-style: chr15-50725291-G-T. GRCh37 (hg19) VCF-style: chr15-51017488-G-T.
Identifiers: ClinVar variation 1164754 (VCV001164754.32), dbSNP rs140457962, ClinGen allele CA7558274.

ClinVar aggregate classification (germline): Benign/Likely benign. Review status: criteria provided, multiple submitters, no conflicts (2 of 4 stars). 2 submissions from 2 submitters: Benign (1); Likely benign (1). Last evaluated 2026-03-01.

Allele frequency attached by ClinVar (database versions not stated): 1000 Genomes Project 30x 0.00141; 1000 Genomes Project 0.00160; TOPMed 0.00509; gnomAD exomes 0.00579; gnomAD 0.00590 and 0.00600; ExAC 0.00597; ESP Exome Variant Server 0.00639.
gnomAD v4.1: 12,549 of 1,605,010 alleles (0.78%); highest among the groups gnomAD compares: Non-Finnish European, 0.95%; 74 homozygotes.

Submissions (2):

CeGaT Center for Human Genetics Tuebingen
Classification: Likely benign. Last evaluated: 2026-03-01. Review status: criteria provided, single submitter. Criteria: CeGaT Center For Human Genetics Tuebingen Variant Classification Criteria Version 2. Collection method: clinical testing. Allele origin: germline. Affected: yes. Observed: 6 variant alleles.
Comment: SPPL2A: BP4, BP7, BS2

Labcorp Genetics (formerly Invitae), Labcorp
Classification: Benign. Last evaluated: 2026-02-02. Review status: criteria provided, single submitter. Criteria: Invitae Variant Classification Sherloc (09022015). Collection method: clinical testing. Allele origin: germline.